The following is an entry in ClinVar:

NM_004588.5(SCN2B):c.191C>T (p.Ser64Phe)

Gene: SCN2B (sodium voltage-gated channel beta subunit 2; minus strand). Cytogenetic location: 11q23.3.
Variant type: single nucleotide variant.
Coding change: c.191C>T on transcript NM_004588.5 (MANE Select); coding-DNA position 191, C replaced by T.
Protein change: p.Ser64Phe; replaces serine 64 with phenylalanine.
Molecular consequence: missense variant.
Genome position (GRCh38, 1-based): chr11:118,168,631, G>A on the plus strand (C>T on the coding strand, the complement: SCN2B is on the minus strand). VCF-style: chr11-118168631-G-A. GRCh37 (hg19) VCF-style: chr11-118039346-G-A.
Other names: short protein forms S64F.
Identifiers: ClinVar variation 2496755 (VCV002496755.6), dbSNP rs764221630, ClinGen allele CA6300511.

ClinVar aggregate classification (germline): Conflicting classifications of pathogenicity. Review status: criteria provided, conflicting classifications (1 of 4 stars). 3 submissions from 3 submitters: Uncertain significance (2); Likely benign (1). Last evaluated 2023-11-16.

Conditions:
Cardiovascular phenotype. Identifiers: MedGen CN230736.
Atrial fibrillation, familial, 14 (ATFB14). Identifiers: MedGen C3809312, MONDO:0014156, OMIM 615378.

Allele frequency attached by ClinVar (database versions not stated): gnomAD 0.00002; TOPMed 0.00002; gnomAD exomes 0.00004; ExAC 0.00007.
gnomAD v4.1: 27 of 1,614,098 alleles (0.0017%); highest among the groups gnomAD compares: Admixed American, 0.03%; no homozygotes.

Submissions (3):

Labcorp Genetics (formerly Invitae), Labcorp
Classification: Uncertain significance for Atrial fibrillation, familial, 14. Last evaluated: 2023-11-16. Review status: criteria provided, single submitter. Criteria: Invitae Variant Classification Sherloc (09022015). Collection method: clinical testing. Allele origin: germline.
Comment: This sequence change replaces serine, which is neutral and polar, with phenylalanine, which is neutral and non-polar, at codon 64 of the SCN2B protein (p.Ser64Phe). This variant is present in population databases (rs764221630, gnomAD 0.04%), and has an allele count higher than expected for a pathogenic variant. This variant has not been reported in the literature in individuals affected with SCN2B-related conditions. ClinVar contains an entry for this variant (Variation ID: 2496755). An algorithm developed to predict the effect of missense changes on protein structure and function (PolyPhen-2) suggests that this variant is likely to be disruptive. In summary, the available evidence is currently insufficient to determine the role of this variant in disease. Therefore, it has been classified as a Variant of Uncertain Significance.

Ambry Genetics
Classification: Likely benign for Cardiovascular phenotype. Last evaluated: 2023-03-05. Review status: criteria provided, single submitter. Criteria: Ambry Variant Classification Scheme 2023. Collection method: clinical testing. Allele origin: germline.

Department of Pathology and Laboratory Medicine, Sinai Health System
Classification: Uncertain significance for Atrial fibrillation, familial, 14. Last evaluated: 2021-09-09. Review status: criteria provided, single submitter. Criteria: ACMG Guidelines, 2015. Collection method: research. Allele origin: germline.